The following is an entry in ClinVar:

ClinVar aggregate classification (germline): Uncertain significance (1 of 4 stars; one submission).

Conditions:
Hereditary breast ovarian cancer syndrome. Also called: BRCA1- and BRCA2-Associated Hereditary Breast and Ovarian Cancer; Hereditary breast and ovarian cancer; Hereditary breast and ovarian cancer syndrome; Hereditary breast and ovarian cancer syndrome (HBOC); Breast and ovarian cancer; Hereditary breast and/or ovarian cancer syndrome. Identifiers: Orphanet 145, MedGen C0677776, MeSH D061325, MONDO:0003582. Disease mechanism: loss of function.

Submission:

Labcorp Genetics (formerly Invitae), Labcorp
Classification: Uncertain significance for Hereditary breast ovarian cancer syndrome. Last evaluated: 2021-01-18. Review status: criteria provided, single submitter. Criteria: Invitae Variant Classification Sherloc (09022015). Collection method: clinical testing. Allele origin: germline.
Comment: In summary, the available evidence is currently insufficient to determine the role of this variant in disease. Therefore, it has been classified as a Variant of Uncertain Significance. Advanced modeling of protein sequence and biophysical properties (such as structural, functional, and spatial information, amino acid conservation, physicochemical variation, residue mobility, and thermodynamic stability) performed at Invitae indicates that this missense variant is not expected to disrupt BRCA2 protein function. This variant has not been reported in the literature in individuals with BRCA2-related conditions. This variant is not present in population databases (ExAC no frequency). This sequence change replaces phenylalanine with valine at codon 3325 of the BRCA2 protein (p.Phe3325Val). The phenylalanine residue is weakly conserved and there is a small physicochemical difference between phenylalanine and valine.

NM_000059.4(BRCA2):c.9973T>G (p.Phe3325Val)

Gene: BRCA2 (BRCA2 DNA repair associated; plus strand). Cytogenetic location: 13q13.1.
Variant type: single nucleotide variant.
Coding change: c.9973T>G on transcript NM_000059.4 (MANE Select); coding-DNA position 9973, T replaced by G.
Protein change: p.Phe3325Val; replaces phenylalanine 3325 with valine.
Molecular consequence: missense variant.
Genome position (GRCh38, 1-based): chr13:32,398,486, T>G. VCF-style: chr13-32398486-T-G. GRCh37 (hg19) VCF-style: chr13-32972623-T-G.
Other names: short protein forms F3325V.
Identifiers: ClinVar variation 1466256 (VCV001466256.8), dbSNP rs2073053849, ClinGen allele CA387767475.